The following is an entry in ClinVar:

ClinVar aggregate classification (germline): Uncertain significance. Review status: criteria provided, multiple submitters, no conflicts (2 of 4 stars). 5 submissions from 5 submitters: Uncertain significance (4). 1 of the submissions does not count toward it. Last evaluated 2024-06-01.

Conditions:
Joubert syndrome. Also called: JOUBERT-BOLTSHAUSER SYNDROME; Familial aplasia of the vermis. Identifiers: Orphanet 475, MedGen C5979921, MONDO:0018772.
Meckel-Gruber syndrome. Also called: GRUBER SYNDROME; Dysencephalia splachnocystica; DYSENCEPHALIA SPLANCHNOCYSTICA. Identifiers: Orphanet 564, MedGen C0265215, MONDO:0018921.

Allele frequency attached by ClinVar (database versions not stated): ExAC 0.00002; gnomAD exomes 0.00002; gnomAD 0.00003; TOPMed 0.00004; ESP Exome Variant Server 0.00008; 1000 Genomes Project 30x 0.00016; 1000 Genomes Project 0.00020.
gnomAD v4.1: 36 of 1,613,998 alleles (0.0022%); highest among the groups gnomAD compares: Admixed American, 0.0033%; no homozygotes.

Submissions (5):

CeGaT Center for Human Genetics Tuebingen
Classification: Uncertain significance. Last evaluated: 2024-06-01. Review status: criteria provided, single submitter. Criteria: CeGaT Center For Human Genetics Tuebingen Variant Classification Criteria Version 2. Collection method: clinical testing. Allele origin: germline. Affected: yes. Observed: 1 variant allele.
Comment: RPGRIP1L: PM2

Blueprint Genetics
Classification: Uncertain significance. Last evaluated: 2023-03-30. Review status: criteria provided, single submitter. Criteria: ACMG Guidelines, 2015. Collection method: clinical testing. Allele origin: germline.

Labcorp Genetics (formerly Invitae), Labcorp
Classification: Uncertain significance for Joubert syndrome; Meckel-Gruber syndrome. Last evaluated: 2022-07-26. Review status: criteria provided, single submitter. Criteria: Invitae Variant Classification Sherloc (09022015). Collection method: clinical testing. Allele origin: germline.
Comment: This sequence change replaces arginine, which is basic and polar, with histidine, which is basic and polar, at codon 56 of the RPGRIP1L protein (p.Arg56His). This variant is present in population databases (rs374157187, gnomAD 0.004%). This variant has not been reported in the literature in individuals affected with RPGRIP1L-related conditions. ClinVar contains an entry for this variant (Variation ID: 450978). Algorithms developed to predict the effect of missense changes on protein structure and function are either unavailable or do not agree on the potential impact of this missense change (SIFT: "Deleterious"; PolyPhen-2: "Probably Damaging"; Align-GVGD: "Class C0"). In summary, the available evidence is currently insufficient to determine the role of this variant in disease. Therefore, it has been classified as a Variant of Uncertain Significance.

GeneDx
Classification: Uncertain significance. Last evaluated: 2019-01-02. Review status: criteria provided, single submitter. Criteria: GeneDx Variant Classification (06012015). Collection method: clinical testing. Allele origin: germline. Affected: yes.
Comment: The R56H variant in the RPGRIP1L gene has not been reported previously as a pathogenic variant, nor as a benign variant, to our knowledge. The R56H variant is not observed at a significant frequency in large population cohorts (Lek et al., 2016; 1000 Genomes Consortium et al., 2015; Exome Variant Server). The R56H variant is a conservative amino acid substitution, which is not likely to impact secondary protein structure as these residues share similar properties. This substitution occurs at a position where amino acids with similar properties to Arginine are tolerated across species. In silico analysis predicts this variant is probably damaging to the protein structure/function. We interpret R56H as a variant of uncertain significance.

Natera, Inc.
Classification: Uncertain significance for Joubert syndrome. Last evaluated: 2020-09-16. Review status: no assertion criteria provided. Collection method: clinical testing. Allele origin: germline. Not counted in ClinVar's aggregate classification.

NM_015272.5(RPGRIP1L):c.167G>A (p.Arg56His)

Gene: RPGRIP1L (RPGRIP1 like; minus strand). Cytogenetic location: 16q12.2.
Variant type: single nucleotide variant.
Coding change: c.167G>A on transcript NM_015272.5 (MANE Select); coding-DNA position 167, G replaced by A.
Protein change: p.Arg56His; replaces arginine 56 with histidine.
Molecular consequence: missense variant.
Genome position (GRCh38, 1-based): chr16:53,696,214, C>T on the plus strand (G>A on the coding strand, the complement: RPGRIP1L is on the minus strand). VCF-style: chr16-53696214-C-T. GRCh37 (hg19) VCF-style: chr16-53730126-C-T.
Other names: c.167G>A, p.Arg56His (NM_001127897.4, NM_001308334.3, NM_001328422.2 and 2 more transcripts); short protein forms R56H.
Identifiers: ClinVar variation 450978 (VCV000450978.25), dbSNP rs374157187, ClinGen allele CA8058198.
Genomic context (GRCh38, chr16:53,696,214, plus strand): 5'-TTAATTTTATCCTCCTGCTTGCGGGCATGCTGTTTAAGTAAAATGTTCTCATCATGCAAA[C>T]GCAAAAATCTGTCTTCCAGTTCCTCACGACTGACACGTGACACTGCCTGGCGAGACTTCA-3'
Protein context (NP_056087.2, residues 46-66): SREELEDRFL[Arg56His]LHDENILLKQ